The following is an entry in ClinVar:

NM_001235.5(SERPINH1):c.1219G>C (p.Val407Leu)

Gene: SERPINH1 (serpin family H member 1; plus strand). Cytogenetic location: 11q13.5.
Variant type: single nucleotide variant.
Coding change: c.1219G>C on transcript NM_001235.5 (MANE Select); coding-DNA position 1219, G replaced by C.
Protein change: p.Val407Leu; replaces valine 407 with leucine.
Molecular consequence: missense variant.
Genome position (GRCh38, 1-based): chr11:75,572,045, G>C. VCF-style: chr11-75572045-G-C. GRCh37 (hg19) VCF-style: chr11-75283090-G-C.
Other names: c.1219G>C, p.Val407Leu (NM_001207014.3); short protein forms V407L.
Identifiers: ClinVar variation 734162 (VCV000734162.12), dbSNP rs138241050, ClinGen allele CA6191050.

ClinVar aggregate classification (germline): Conflicting classifications of pathogenicity. Review status: criteria provided, conflicting classifications (1 of 4 stars). 2 submissions from 2 submitters: Uncertain significance (1); Likely benign (1). Last evaluated 2025-11-11.

Allele frequency attached by ClinVar (database versions not stated): gnomAD exomes 0.00033 and 0.00011; ExAC 0.00045; gnomAD 0.00115 and 0.00133; TOPMed 0.00124; ESP Exome Variant Server 0.00200; 1000 Genomes Project 30x 0.00016.
gnomAD v4.1: 335 of 1,614,138 alleles (0.021%); highest among the groups gnomAD compares: African/African-American, 0.42%; no homozygotes.

Submissions (2):

Labcorp Genetics (formerly Invitae), Labcorp
Classification: Likely benign. Last evaluated: 2025-11-11. Review status: criteria provided, single submitter. Criteria: Invitae Variant Classification Sherloc (09022015). Collection method: clinical testing. Allele origin: germline.

GeneDx
Classification: Uncertain significance. Last evaluated: 2022-02-15. Review status: criteria provided, single submitter. Criteria: GeneDx Variant Classification Process June 2021. Collection method: clinical testing. Allele origin: germline. Affected: yes.
Comment: In silico analysis supports that this missense variant does not alter protein structure/function; Has not been previously published as pathogenic or benign to our knowledge